The following is an entry in ClinVar:

ClinVar aggregate classification (germline): Benign/Likely benign. Review status: criteria provided, multiple submitters, no conflicts (2 of 4 stars). 6 submissions from 6 submitters: Benign (1); Likely benign (5). Last evaluated 2025-04-27.

Conditions:
Hereditary nonpolyposis colorectal neoplasms. Identifiers: MedGen C0009405, MeSH D003123.
Lynch syndrome. Identifiers: Orphanet 144, MedGen C4552100, MONDO:0005835. Disease mechanism: loss of function.
Lynch syndrome 5 (LYNCH5). Also called: Colorectal cancer, hereditary nonpolyposis, type 5; Hereditary non-polyposis colorectal cancer, type 5. Identifiers: Orphanet 144, MedGen C1833477, MONDO:0013710, OMIM 614350. Disease mechanism: loss of function.
Hereditary cancer-predisposing syndrome. Also called: Hereditary neoplastic syndrome; Tumor predisposition; Hereditary Cancer Syndrome; Neoplastic Syndromes, Hereditary. Identifiers: Orphanet 140162, MedGen C0027672, MeSH D009386, MONDO:0015356.

Allele frequency attached by ClinVar (database versions not stated): gnomAD exomes below 0.00001 and 0.00001; ExAC 0.00001.
gnomAD v4.1: 14 of 1,614,090 alleles (0.00087%); highest among the groups gnomAD compares: South Asian, 0.0033%; no homozygotes.

Submissions (6):

Labcorp Genetics (formerly Invitae), Labcorp
Classification: Likely benign for Hereditary nonpolyposis colorectal neoplasms. Last evaluated: 2025-04-27. Review status: criteria provided, single submitter. Criteria: Invitae Variant Classification Sherloc (09022015). Collection method: clinical testing. Allele origin: germline.

Myriad Genetics, Inc.
Classification: Benign for Lynch syndrome 5. Last evaluated: 2024-12-31. Review status: criteria provided, single submitter. Criteria: Myriad Autosomal Dominant, Autosomal Recessive and X-Linked Classification Criteria (2023). Collection method: clinical testing. Allele origin: unknown.
Comment: This variant is considered benign. This variant is a silent/synonymous amino acid change and it is not expected to impact splicing.

Department of Pathology and Laboratory Medicine, Sinai Health System
Classification: Likely benign for Lynch syndrome. Last evaluated: 2023-08-10. Review status: criteria provided, single submitter. Criteria: ACMG Guidelines, 2015. Collection method: clinical testing. Allele origin: germline. Affected: yes.

All of Us Research Program, National Institutes of Health
Classification: Likely benign for Lynch syndrome. Last evaluated: 2023-04-15. Review status: criteria provided, single submitter. Criteria: ACMG Guidelines, 2015. Collection method: clinical testing. Allele origin: germline. Inheritance: Autosomal dominant inheritance. Observed: 1 variant allele, 1 heterozygote.
Comment: This study involves interpretation of variants in research participants for the purpose of population health screening. Participant phenotype was not available at the time of variant classification. Additional details can be found in publication PMID: 35346344, PMCID: PMC8962531

Ambry Genetics
Classification: Likely benign for Hereditary cancer-predisposing syndrome. Last evaluated: 2018-03-21. Review status: criteria provided, single submitter. Criteria: Ambry Variant Classification Scheme 2023. Collection method: clinical testing. Allele origin: germline.

Color Diagnostics, LLC DBA Color Health
Classification: Likely benign for Hereditary cancer-predisposing syndrome. Last evaluated: 2016-05-02. Review status: criteria provided, single submitter. Criteria: ACMG Guidelines, 2015. Collection method: clinical testing. Allele origin: germline.

NM_000179.3(MSH6):c.2295C>T (p.Cys765=)

Gene: MSH6 (mutS homolog 6; plus strand). Cytogenetic location: 2p16.3.
Variant type: single nucleotide variant.
Coding change: c.2295C>T on transcript NM_000179.3 (MANE Select); coding-DNA position 2295, C replaced by T.
Protein change: p.Cys765=; no amino-acid change (cysteine 765 retained).
Molecular consequence: synonymous variant.
Genome position (GRCh38, 1-based): chr2:47,800,278, C>T. VCF-style: chr2-47800278-C-T. GRCh37 (hg19) VCF-style: chr2-48027417-C-T.
Other names: c.1905C>T, p.Cys635= (NM_001281492.2); c.1389C>T, p.Cys463= (NM_001281493.2, NM_001281494.2).
Identifiers: ClinVar variation 491892 (VCV000491892.20), dbSNP rs63750985, ClinGen allele CA068768.